The following is an entry in ClinVar:

NM_005902.4(SMAD3):c.235C>T (p.His79Tyr)

Gene: SMAD3 (SMAD family member 3; plus strand). Cytogenetic location: 15q22.33.
Variant type: single nucleotide variant.
Coding change: c.235C>T on transcript NM_005902.4 (MANE Select); coding-DNA position 235, C replaced by T.
Protein change: p.His79Tyr; replaces histidine 79 with tyrosine.
Molecular consequence: missense variant. On other transcripts: 5 prime UTR variant (3).
Genome position (GRCh38, 1-based): chr15:67,164,923, C>T. VCF-style: chr15-67164923-C-T. GRCh37 (hg19) VCF-style: chr15-67457261-C-T.
Other names: c.-81C>T (NM_001145102.2, NM_001407015.1, NM_001407016.1); c.103C>T, p.His35Tyr (NM_001145103.2); c.235C>T, p.His79Tyr (NM_001407011.1, NM_001407012.1, NM_001407013.1); c.88C>T, p.His30Tyr (NM_001407014.1); short protein forms H35Y, H79Y, H30Y.
Identifiers: ClinVar variation 3665922 (VCV003665922.2).

ClinVar aggregate classification (germline): Uncertain significance (1 of 4 stars; one submission).

Conditions:
Familial thoracic aortic aneurysm and aortic dissection (TAAD). Also called: Thoracic aortic aneurysms and dissections. Identifiers: Orphanet 91387, MedGen C4707243, MONDO:0019625.

Submission:

Labcorp Genetics (formerly Invitae), Labcorp
Classification: Uncertain significance for Familial thoracic aortic aneurysm and aortic dissection. Last evaluated: 2024-10-24. Review status: criteria provided, single submitter. Criteria: Invitae Variant Classification Sherloc (09022015). Collection method: clinical testing. Allele origin: germline.
Comment: This sequence change replaces histidine, which is basic and polar, with tyrosine, which is neutral and polar, at codon 79 of the SMAD3 protein (p.His79Tyr). This variant is not present in population databases (gnomAD no frequency). This variant has not been reported in the literature in individuals affected with SMAD3-related conditions. Invitae Evidence Modeling of protein sequence and biophysical properties (such as structural, functional, and spatial information, amino acid conservation, physicochemical variation, residue mobility, and thermodynamic stability) indicates that this missense variant is not expected to disrupt SMAD3 protein function with a negative predictive value of 80%. In summary, the available evidence is currently insufficient to determine the role of this variant in disease. Therefore, it has been classified as a Variant of Uncertain Significance.